The following is an entry in ClinVar:

NM_000552.5(VWF):c.2771G>A (p.Arg924Gln)

Gene: VWF (von Willebrand factor; minus strand). Cytogenetic location: 12p13.31.
Variant type: single nucleotide variant.
Coding change: c.2771G>A on transcript NM_000552.5 (MANE Select); coding-DNA position 2771, G replaced by A.
Protein change: p.Arg924Gln; replaces arginine 924 with glutamine.
Molecular consequence: missense variant.
Genome position (GRCh38, 1-based): chr12:6,031,493, C>T on the plus strand (G>A on the coding strand, the complement: VWF is on the minus strand). VCF-style: chr12-6031493-C-T. GRCh37 (hg19) VCF-style: chr12-6140659-C-T.
Other names: p.Arg924Gln; p.R924Q; short protein forms R924Q.
Identifiers: ClinVar variation 100240 (VCV000100240.54), dbSNP rs33978901, ClinGen allele CA228368.

ClinVar aggregate classification (germline): Conflicting classifications of pathogenicity. Review status: criteria provided, conflicting classifications (1 of 4 stars). 14 submissions from 10 submitters: Uncertain significance (3); Benign (5); Likely benign (3). 3 of the submissions do not count toward it. Last evaluated 2026-09-01.

Conditions:
von Willebrand disease type 1 (VWD1). Also called: VWD, TYPE 1; VON WILLEBRAND DISEASE, TYPE I. Identifiers: Orphanet 166078, Orphanet 903, MedGen C1264039, MONDO:0008668, OMIM 193400. Inheritance: autosomal recessive or autosomal dominant.
von Willebrand disease type 3 (VWD3). Also called: Type 3 Von Willebrand's disease; Type 3 VWD; Von Willebrand disease, severe form; V WD3; VON WILLEBRAND DISEASE, TYPE III. Identifiers: Orphanet 166096, MedGen C1264041, MONDO:0010191, OMIM 277480.
Hereditary von Willebrand disease. Identifiers: Orphanet 903, MedGen C5703318, MONDO:0019565. Inheritance: Autosomal recessive or Autosomal dominant.
von Willebrand disease type 2 (VWD2). Also called: VWD, TYPE 2; VON WILLEBRAND DISEASE, TYPE 2A/IIE; VON WILLEBRAND DISEASE, TYPE 2CB; VON WILLEBRAND DISEASE, TYPE II. Identifiers: Orphanet 166081, Orphanet 903, MedGen C1264040, MONDO:0013304, OMIM 613554.

Allele frequency attached by ClinVar (database versions not stated): 1000 Genomes Project 30x 0.00562; 1000 Genomes Project 0.00679; gnomAD exomes 0.01053 and 0.01849; ExAC 0.01063; TOPMed 0.01121; gnomAD 0.01188 and 0.01237; ESP Exome Variant Server 0.01499.
gnomAD v4.1: 28,642 of 1,614,096 alleles (1.8%); highest among the groups gnomAD compares: Non-Finnish European, 2.2%; 297 homozygotes.

Submissions (30):

CeGaT Center for Human Genetics Tuebingen
Classification: Benign. Last evaluated: 2026-09-01. Review status: criteria provided, single submitter. Criteria: CeGaT Center For Human Genetics Tuebingen Variant Classification Criteria Version 2. Collection method: clinical testing. Allele origin: germline. Affected: yes. Observed: 9 variant alleles.
Comment: VWF: BP4, BS1, BS2

Quest Diagnostics Nichols Institute San Juan Capistrano
Classification: Likely benign. Last evaluated: 2025-10-27. Review status: criteria provided, single submitter. Criteria: Quest Diagnostics criteria. Collection method: clinical testing. Allele origin: unknown.

ARUP Laboratories, Molecular Genetics and Genomics, ARUP Laboratories
Classification: Benign. Last evaluated: 2025-07-07. Review status: criteria provided, single submitter. Criteria: ARUP Molecular Germline Variant Investigation Process 2024. Collection method: clinical testing. Allele origin: germline.

Mayo Clinic Laboratories, Mayo Clinic
Classification: Likely benign. Last evaluated: 2024-12-06. Review status: criteria provided, single submitter. Criteria: ACMG Guidelines, 2015. Collection method: clinical testing. Allele origin: germline. Observed: 28 variant alleles.
Comment: BS2, BP4

Laboratory of Hematology, Radboud University Medical Center
Classification: Uncertain significance for von Willebrand disease type 1. Last evaluated: 2022-05-06. Review status: criteria provided, single submitter. Criteria: ACMG Guidelines, 2015. Collection method: research. Allele origin: germline. Affected: yes. Observed: 10 variant alleles. Study: WIN study.

Laboratory of Hematology, Radboud University Medical Center
Classification: Uncertain significance for von Willebrand disease type 2. Last evaluated: 2022-05-06. Review status: criteria provided, single submitter. Criteria: ACMG Guidelines, 2015. Collection method: research. Allele origin: germline. Affected: yes. Observed: 4 variant alleles. Study: WIN study.

Genome-Nilou Lab
Classification: Benign for von Willebrand disease type 1. Last evaluated: 2021-12-05. Review status: criteria provided, single submitter. Criteria: ACMG Guidelines, 2015. Collection method: clinical testing. Allele origin: germline. Affected: no.

Genome-Nilou Lab
Classification: Benign for von Willebrand disease type 3. Last evaluated: 2021-12-05. Review status: criteria provided, single submitter. Criteria: ACMG Guidelines, 2015. Collection method: clinical testing. Allele origin: germline. Affected: no.

Genome-Nilou Lab
Classification: Benign for von Willebrand disease type 2. Last evaluated: 2021-12-05. Review status: criteria provided, single submitter. Criteria: ACMG Guidelines, 2015. Collection method: clinical testing. Allele origin: germline. Affected: no.

Genetics and Molecular Pathology, SA Pathology
Classification: Uncertain significance for Hereditary von Willebrand disease. Last evaluated: 2019-12-13. Review status: criteria provided, single submitter. Criteria: ACMG Guidelines, 2015. Collection method: clinical testing. Allele origin: germline.

Breakthrough Genomics
Classification: Likely benign. Review status: criteria provided, single submitter. Criteria: ACMG Guidelines, 2015. Collection method: not provided. Allele origin: germline. Inheritance: Autosomal recessive inheritance. Affected: yes.

Angelo Bianchi Bonomi Hemophilia and Thrombosis Center, Fondazione IRCCS Ca Granda Ospedale Maggiore Policlinico
Classification: Benign for von Willebrand disease type 2. Last evaluated: 2022-04-26. Review status: no assertion criteria provided. Collection method: clinical testing. Allele origin: germline. Affected: yes. Not counted in ClinVar's aggregate classification.

Angelo Bianchi Bonomi Hemophilia and Thrombosis Center, Fondazione IRCCS Ca Granda Ospedale Maggiore Policlinico
Classification: Likely benign for von Willebrand disease type 3. Last evaluated: 2020-11-01. Review status: no assertion criteria provided. Collection method: clinical testing. Allele origin: germline. Affected: yes. Study: Type 3 Von Willebrand International Registries Inhibitor Prospective Study (3WINTERS-IPS). Not counted in ClinVar's aggregate classification.
Comment: ClinGen Pathogenicity Calculator

Academic Unit of Haematology, University of Sheffield
No classification provided. Review status: no classification provided. Collection method: not provided. Allele origin: not provided. Not counted in ClinVar's aggregate classification.

Dr. Peter K. Rogan Lab, Western University
No classification provided (evidence only). Condition: Clear cell carcinoma of kidney. Review status: no classification provided. Collection method: in vitro. Allele origin: not applicable. Functional consequence: retained intron. Not counted in ClinVar's aggregate classification.

Dr. Peter K. Rogan Lab, Western University
No classification provided (evidence only). Condition: Lung cancer. Review status: no classification provided. Collection method: in vitro. Allele origin: not applicable. Functional consequence: retained intron. Not counted in ClinVar's aggregate classification.

Dr. Peter K. Rogan Lab, Western University
No classification provided (evidence only). Condition: Lung cancer. Review status: no classification provided. Collection method: in vitro. Allele origin: not applicable. Functional consequence: retained intron. Not counted in ClinVar's aggregate classification.

Dr. Peter K. Rogan Lab, Western University
No classification provided (evidence only). Condition: Melanoma. Review status: no classification provided. Collection method: in vitro. Allele origin: not applicable. Functional consequence: retained intron. Not counted in ClinVar's aggregate classification.

Dr. Peter K. Rogan Lab, Western University
No classification provided (evidence only). Condition: Colon adenocarcinoma. Review status: no classification provided. Collection method: in vitro. Allele origin: not applicable. Functional consequence: skipped exon. Not counted in ClinVar's aggregate classification.

Dr. Peter K. Rogan Lab, Western University
No classification provided (evidence only). Condition: Colon adenocarcinoma. Review status: no classification provided. Collection method: in vitro. Allele origin: not applicable. Functional consequence: retained intron. Not counted in ClinVar's aggregate classification.

Dr. Peter K. Rogan Lab, Western University
No classification provided (evidence only). Condition: Sarcoma. Review status: no classification provided. Collection method: in vitro. Allele origin: not applicable. Functional consequence: retained intron. Not counted in ClinVar's aggregate classification.

Dr. Peter K. Rogan Lab, Western University
No classification provided (evidence only). Condition: Sarcoma. Review status: no classification provided. Collection method: in vitro. Allele origin: not applicable. Functional consequence: retained intron. Not counted in ClinVar's aggregate classification.

Dr. Peter K. Rogan Lab, Western University
No classification provided (evidence only). Condition: Sarcoma. Review status: no classification provided. Collection method: in vitro. Allele origin: not applicable. Functional consequence: retained intron. Not counted in ClinVar's aggregate classification.

Dr. Peter K. Rogan Lab, Western University
No classification provided (evidence only). Condition: Nonpapillary renal cell carcinoma. Review status: no classification provided. Collection method: in vitro. Allele origin: not applicable. Functional consequence: retained intron. Not counted in ClinVar's aggregate classification.

Dr. Peter K. Rogan Lab, Western University
No classification provided (evidence only). Condition: Gastric cancer. Review status: no classification provided. Collection method: in vitro. Allele origin: not applicable. Functional consequence: retained intron. Not counted in ClinVar's aggregate classification.

Dr. Peter K. Rogan Lab, Western University
No classification provided (evidence only). Condition: Gastric cancer. Review status: no classification provided. Collection method: in vitro. Allele origin: not applicable. Functional consequence: retained intron. Not counted in ClinVar's aggregate classification.

Dr. Peter K. Rogan Lab, Western University
No classification provided (evidence only). Condition: Gastric cancer. Review status: no classification provided. Collection method: in vitro. Allele origin: not applicable. Functional consequence: retained intron. Not counted in ClinVar's aggregate classification.

Dr. Peter K. Rogan Lab, Western University
No classification provided (evidence only). Condition: Gastric cancer. Review status: no classification provided. Collection method: in vitro. Allele origin: not applicable. Functional consequence: retained intron. Not counted in ClinVar's aggregate classification.

Dr. Peter K. Rogan Lab, Western University
No classification provided (evidence only). Condition: Malignant tumor of esophagus. Review status: no classification provided. Collection method: in vitro. Allele origin: not applicable. Functional consequence: retained intron. Not counted in ClinVar's aggregate classification.

Dr. Peter K. Rogan Lab, Western University
No classification provided (evidence only). Condition: Malignant tumor of esophagus. Review status: no classification provided. Collection method: in vitro. Allele origin: not applicable. Functional consequence: retained intron. Not counted in ClinVar's aggregate classification.

Literature cited by the submitters: PubMed 35452508 (cited by Quest Diagnostics Nichols Institute San Juan Capistrano); PubMed 22315491 (cited by Quest Diagnostics Nichols Institute San Juan Capistrano); PubMed 22995991 (cited by Quest Diagnostics Nichols Institute San Juan Capistrano); PubMed 34351388 (cited by Quest Diagnostics Nichols Institute San Juan Capistrano); PubMed 35446929 (cited by Quest Diagnostics Nichols Institute San Juan Capistrano); PubMed 36754679 (cited by Quest Diagnostics Nichols Institute San Juan Capistrano); PubMed 37771821 (cited by Quest Diagnostics Nichols Institute San Juan Capistrano); PubMed 38315875 (cited by Quest Diagnostics Nichols Institute San Juan Capistrano); PubMed 39002731 (cited by Quest Diagnostics Nichols Institute San Juan Capistrano); PubMed 16985174 (cited by Quest Diagnostics Nichols Institute San Juan Capistrano); PubMed 33807613 (cited by Quest Diagnostics Nichols Institute San Juan Capistrano); PubMed 29220693 (cited by Quest Diagnostics Nichols Institute San Juan Capistrano); PubMed 22102201 (cited by Quest Diagnostics Nichols Institute San Juan Capistrano); PubMed 20851871 (cited by Quest Diagnostics Nichols Institute San Juan Capistrano); PubMed 21534937 (cited by Quest Diagnostics Nichols Institute San Juan Capistrano); PubMed 26270243 (cited by Quest Diagnostics Nichols Institute San Juan Capistrano); PubMed 27007659 (cited by Quest Diagnostics Nichols Institute San Juan Capistrano); PubMed 22871923 (cited by Quest Diagnostics Nichols Institute San Juan Capistrano); PubMed 32722784 (cited by Quest Diagnostics Nichols Institute San Juan Capistrano); PubMed 30690834 (cited by Quest Diagnostics Nichols Institute San Juan Capistrano and Mayo Clinic Laboratories, Mayo Clinic); PubMed 33556167 (cited by Quest Diagnostics Nichols Institute San Juan Capistrano); PubMed 37017006 (cited by Quest Diagnostics Nichols Institute San Juan Capistrano); PubMed 16894469 (cited by Quest Diagnostics Nichols Institute San Juan Capistrano); PubMed 22197721 (cited by Quest Diagnostics Nichols Institute San Juan Capistrano); PubMed 19624459 (cited by Quest Diagnostics Nichols Institute San Juan Capistrano and Mayo Clinic Laboratories, Mayo Clinic); PubMed 23340442 (cited by Quest Diagnostics Nichols Institute San Juan Capistrano); PubMed 20492463 (cited by Quest Diagnostics Nichols Institute San Juan Capistrano and Mayo Clinic Laboratories, Mayo Clinic); PubMed 12588349 (cited by Quest Diagnostics Nichols Institute San Juan Capistrano and Mayo Clinic Laboratories, Mayo Clinic); PubMed 18841300 (cited by Quest Diagnostics Nichols Institute San Juan Capistrano); PubMed 21371195 (cited by Quest Diagnostics Nichols Institute San Juan Capistrano); PubMed 21410641 (cited by Quest Diagnostics Nichols Institute San Juan Capistrano); PubMed 17190853 (cited by Mayo Clinic Laboratories, Mayo Clinic); PubMed 37872709 (cited by Mayo Clinic Laboratories, Mayo Clinic).